The following is an entry in ClinVar:

ClinVar aggregate classification (germline): Pathogenic (1 of 4 stars; one submission).

Conditions:
Chédiak-Higashi syndrome (CHS). Also called: Chediak-Higashi Syndrome. Identifiers: Orphanet 167, MedGen C0007965, MONDO:0008963, OMIM 214500.

Submission:

Labcorp Genetics (formerly Invitae), Labcorp
Classification: Pathogenic for Chédiak-Higashi syndrome. Last evaluated: 2023-10-04. Review status: criteria provided, single submitter. Criteria: Invitae Variant Classification Sherloc (09022015). Collection method: clinical testing. Allele origin: unknown.
Comment: This variant is a gross deletion of the genomic region encompassing exon(s) 46-50 of the LYST gene. This deletion is out-of-frame, and is expected to create a premature termination codon and result in an absent or disrupted protein product. Loss-of-function variants in LYST are known to be pathogenic (PMID: 9215679, 11857544). This variant has not been reported in the literature in individuals affected with LYST-related conditions. For these reasons, this variant has been classified as Pathogenic.

Literature cited by the submitters: PubMed 9215679; PubMed 11857544.

NC_000001.10:g.(?_235840371)_(235860592_?)del

Gene: LYST (lysosomal trafficking regulator; minus strand). Cytogenetic location: 1q42.3.
Variant type: Deletion.
Identifiers: ClinVar variation 3247625 (VCV003247625.1).